The following is an entry in ClinVar:

NM_001243279.3(ACSF3):c.145C>T (p.Arg49Cys)

Gene: ACSF3 (acyl-CoA synthetase family member 3; plus strand). Cytogenetic location: 16q24.3.
Variant type: single nucleotide variant.
Coding change: c.145C>T on transcript NM_001243279.3 (MANE Select); coding-DNA position 145, C replaced by T.
Protein change: p.Arg49Cys; replaces arginine 49 with cysteine.
Molecular consequence: missense variant. On other transcripts: non-coding transcript variant (3), intron variant (1).
Genome position (GRCh38, 1-based): chr16:89,100,826, C>T. VCF-style: chr16-89100826-C-T. GRCh37 (hg19) VCF-style: chr16-89167234-C-T.
Other names: c.145C>T, p.Arg49Cys (NM_001127214.4, NM_174917.5); c.-129-1778C>T (NM_001284316.2); c.145C>T (NM_174917.3); short protein forms R49C.
Identifiers: ClinVar variation 990419 (VCV000990419.7), dbSNP rs141518662, ClinGen allele CA8237556.

ClinVar aggregate classification (germline): Uncertain significance. Review status: criteria provided, multiple submitters, no conflicts (2 of 4 stars). 5 submissions from 5 submitters: Uncertain significance (4). 1 of the submissions does not count toward it. Last evaluated 2023-12-12.

Conditions:
Inborn genetic diseases. Identifiers: MedGen C0950123, MeSH D030342.
Methylmalonic acidemia (MMA). Also called: Isolated Methylmalonic Acidemia. Identifiers: MedGen C0268583, MeSH C537358, MONDO:0002012, HP:0002912.
Combined malonic and methylmalonic acidemia. Identifiers: Orphanet 289504, MedGen C3280314, MONDO:0013661, OMIM 614265.

Allele frequency attached by ClinVar (database versions not stated): gnomAD exomes 0.00007 and 0.00008; TOPMed 0.00009; ExAC 0.00010; gnomAD 0.00010 and 0.00011; ESP Exome Variant Server 0.00023.
gnomAD v4.1: 115 of 1,613,196 alleles (0.0071%); highest among the groups gnomAD compares: Non-Finnish European, 0.0092%; no homozygotes.

Submissions (5):

ARUP Laboratories, Molecular Genetics and Genomics, ARUP Laboratories
Classification: Uncertain significance for Combined malonic and methylmalonic acidemia. Last evaluated: 2023-12-12. Review status: criteria provided, single submitter. Criteria: ARUP Molecular Germline Variant Investigation Process 2024. Collection method: clinical testing. Allele origin: germline.
Comment: The ACSF3 c.145C>T; p.Arg49Cys variant (rs141518662), to our knowledge, is not reported in the medical literature but is reported in ClinVar (Variation ID: 990419). This variant is observed in the general population with an overall allele frequency of 0.008% (19/249748 alleles) in the Genome Aggregation Database (v2.1.1). Computational analyses are uncertain whether this variant is neutral or deleterious (REVEL: 0.275). Due to limited information, the clinical significance of this variant is uncertain at this time.

Ambry Genetics
Classification: Uncertain significance for Inborn genetic diseases. Last evaluated: 2022-11-23. Review status: criteria provided, single submitter. Criteria: Ambry Variant Classification Scheme 2023. Collection method: clinical testing. Allele origin: germline.

Labcorp Genetics (formerly Invitae), Labcorp
Classification: Uncertain significance for Combined malonic and methylmalonic acidemia. Last evaluated: 2022-10-13. Review status: criteria provided, single submitter. Criteria: Invitae Variant Classification Sherloc (09022015). Collection method: clinical testing. Allele origin: germline.
Comment: This sequence change replaces arginine, which is basic and polar, with cysteine, which is neutral and slightly polar, at codon 49 of the ACSF3 protein (p.Arg49Cys). This variant is present in population databases (rs141518662, gnomAD 0.02%). This variant has not been reported in the literature in individuals affected with ACSF3-related conditions. ClinVar contains an entry for this variant (Variation ID: 990419). Advanced modeling of protein sequence and biophysical properties (such as structural, functional, and spatial information, amino acid conservation, physicochemical variation, residue mobility, and thermodynamic stability) has been performed at Invitae for this missense variant, however the output from this modeling did not meet the statistical confidence thresholds required to predict the impact of this variant on ACSF3 protein function. In summary, the available evidence is currently insufficient to determine the role of this variant in disease. Therefore, it has been classified as a Variant of Uncertain Significance.

Genome-Nilou Lab
Classification: Uncertain significance for Combined malonic and methylmalonic acidemia. Last evaluated: 2021-07-14. Review status: criteria provided, single submitter. Criteria: ACMG Guidelines, 2015. Collection method: clinical testing. Allele origin: germline. Affected: no.

Natera, Inc.
Classification: Uncertain significance for Methylmalonic acidemia. Last evaluated: 2020-05-04. Review status: no assertion criteria provided. Collection method: clinical testing. Allele origin: germline. Not counted in ClinVar's aggregate classification.